The following is an entry in ClinVar:

ClinVar aggregate classification (germline): Likely pathogenic (1 of 4 stars; one submission).

gnomAD v4.1: 1 of 1,602,044 alleles (0.000062%); highest among the groups gnomAD compares: Non-Finnish European, 0.000085%; no homozygotes.

Submission:

GeneDx
Classification: Likely pathogenic. Last evaluated: 2026-05-06. Review status: criteria provided, single submitter. Criteria: GeneDx Variant Classification Process June 2021. Collection method: clinical testing. Allele origin: germline.
Comment: Nonsense variant predicted to result in protein truncation or nonsense mediated decay in a gene for which loss of function is a known mechanism of disease; Not observed at significant frequency in large population cohorts (gnomAD); Has not been previously published as pathogenic or benign to our knowledge

NM_001146156.2(GSK3B):c.916C>T (p.Arg306Ter)

Gene: GSK3B (glycogen synthase kinase 3 beta; minus strand). Cytogenetic location: 3q13.33.
Variant type: single nucleotide variant.
Coding change: c.916C>T on transcript NM_001146156.2 (MANE Select); coding-DNA position 916, C replaced by T.
Protein change: p.Arg306Ter; replaces arginine 306 with a stop codon.
Molecular consequence: nonsense.
Genome position (GRCh38, 1-based): chr3:119,863,599, G>A on the plus strand (C>T on the coding strand, the complement: GSK3B is on the minus strand). VCF-style: chr3-119863599-G-A. GRCh37 (hg19) VCF-style: chr3-119582446-G-A.
Other names: c.916C>T, p.Arg306Ter (NM_001354596.2); c.955C>T, p.Arg319Ter (NM_002093.4); short protein forms R306*, R319*.
Identifiers: ClinVar variation 4057156 (VCV004057156.2).
Genomic context (GRCh38, chr3:119,863,599, plus strand): 5'-TTGGTGTATACTCCAGCAGACGGCTACACAGTGCAATTGCCTCCGGTGGAGTTCGGGGTC[G>A]GAAGACCTGCAGTACAAAAAAAGGGAAAGAACAATTAATGTTTTATTTTAAGAATCTAAG-3'